The following is an entry in ClinVar:

ClinVar aggregate classification (germline): Uncertain significance. Review status: criteria provided, multiple submitters, no conflicts (2 of 4 stars). 2 submissions from 2 submitters: Uncertain significance (2). Last evaluated 2022-08-02.

Conditions:
Propionic acidemia (PROP). Also called: GLYCINEMIA, KETOTIC; HYPERGLYCINEMIA WITH KETOACIDOSIS AND LEUKOPENIA; KETOTIC HYPERGLYCINEMIA. Identifiers: Orphanet 35, MedGen C0268579, MONDO:0011628, OMIM 606054, HP:0003571.

Allele frequency attached by ClinVar (database versions not stated): TOPMed below 0.00001; gnomAD 0.00001; gnomAD exomes 0.00001 and 0.00002; ExAC 0.00010; ESP Exome Variant Server 0.00014.
gnomAD v4.1: 10 of 1,521,466 alleles (0.00066%); highest among the groups gnomAD compares: Non-Finnish European, 0.00089%; no homozygotes.

Submissions (2):

Labcorp Genetics (formerly Invitae), Labcorp
Classification: Uncertain significance for Propionic acidemia. Last evaluated: 2022-08-02. Review status: criteria provided, single submitter. Criteria: Invitae Variant Classification Sherloc (09022015). Collection method: clinical testing. Allele origin: germline.
Comment: This sequence change replaces threonine, which is neutral and polar, with alanine, which is neutral and non-polar, at codon 632 of the PCCA protein (p.Thr632Ala). This variant is present in population databases (rs376313696, gnomAD 0.005%). This variant has not been reported in the literature in individuals affected with PCCA-related conditions. ClinVar contains an entry for this variant (Variation ID: 1518317). Advanced modeling of protein sequence and biophysical properties (such as structural, functional, and spatial information, amino acid conservation, physicochemical variation, residue mobility, and thermodynamic stability) performed at Invitae indicates that this missense variant is not expected to disrupt PCCA protein function. In summary, the available evidence is currently insufficient to determine the role of this variant in disease. Therefore, it has been classified as a Variant of Uncertain Significance.

Fulgent Genetics
Classification: Uncertain significance for Propionic acidemia. Last evaluated: 2022-04-26. Review status: criteria provided, single submitter. Criteria: ACMG Guidelines, 2015. Collection method: clinical testing. Allele origin: unknown.

NM_000282.4(PCCA):c.1894A>G (p.Thr632Ala)

Gene: PCCA (propionyl-CoA carboxylase subunit alpha; plus strand). Cytogenetic location: 13q32.3.
Variant type: single nucleotide variant.
Coding change: c.1894A>G on transcript NM_000282.4 (MANE Select); coding-DNA position 1894, A replaced by G.
Protein change: p.Thr632Ala; replaces threonine 632 with alanine.
Molecular consequence: missense variant. On other transcripts: non-coding transcript variant (5), intron variant (2).
Genome position (GRCh38, 1-based): chr13:100,449,300, A>G. VCF-style: chr13-100449300-A-G. GRCh37 (hg19) VCF-style: chr13-101101554-A-G.
Other names: c.1816A>G, p.Thr606Ala (NM_001127692.3, NM_001352607.2); c.1894A>G, p.Thr632Ala (NM_001178004.2, NM_001352609.2); c.1750A>G, p.Thr584Ala (NM_001352606.2); c.1672A>G, p.Thr558Ala (NM_001352608.2); c.949A>G, p.Thr317Ala (NM_001352610.2); c.805A>G, p.Thr269Ala (NM_001352612.2); c.1845+23569A>G (NM_001352605.2); c.900+23569A>G (NM_001352611.2); short protein forms T317A, T558A, T269A, T584A, T606A, T632A.
Identifiers: ClinVar variation 1518317 (VCV001518317.4), dbSNP rs376313696, ClinGen allele CA7033818.